The following is an entry in ClinVar:

NM_199420.4(POLQ):c.928G>A (p.Val310Met)

Gene: POLQ (DNA polymerase theta; minus strand). Cytogenetic location: 3q13.33.
Variant type: single nucleotide variant.
Coding change: c.928G>A on transcript NM_199420.4 (MANE Select); coding-DNA position 928, G replaced by A.
Protein change: p.Val310Met; replaces valine 310 with methionine.
Molecular consequence: missense variant.
Genome position (GRCh38, 1-based): chr3:121,533,022, C>T on the plus strand (G>A on the coding strand, the complement: POLQ is on the minus strand). VCF-style: chr3-121533022-C-T. GRCh37 (hg19) VCF-style: chr3-121251869-C-T.
Other names: short protein forms V310M.
Identifiers: ClinVar variation 1766440 (VCV001766440.3), dbSNP rs2546819013, ClinGen allele CA354125895.
Genomic context (GRCh38, chr3:121,533,022, plus strand): 5'-TAGTAGTGATGTACATATATTGATTTACCTTCACTTGTAGCATGGGCTCAAATTCCCTCA[C>T]AAGTTTCATTGAAGAGTCATATATGGAATTTCCAACTTTTACTGACTCCAAAAGCGGTAC-3'
Protein context (NP_955452.3, residues 300-320): NSIYDSSMKL[Val310Met]REFEPMLQVK

ClinVar aggregate classification (germline): Uncertain significance (1 of 4 stars; one submission).

Allele frequency attached by ClinVar (database versions not stated): gnomAD exomes below 0.00001.

Submission:

Ambry Genetics
Classification: Uncertain significance. Last evaluated: 2024-09-15. Review status: criteria provided, single submitter. Criteria: Ambry Variant Classification Scheme 2023. Collection method: clinical testing. Allele origin: germline.
Comment: The p.V310M variant (also known as c.928G>A), located in coding exon 6 of the POLQ gene, results from a G to A substitution at nucleotide position 928. The valine at codon 310 is replaced by methionine, an amino acid with highly similar properties. This amino acid position is conserved. In addition, this alteration is predicted to be tolerated by in silico analysis. Since supporting evidence is limited at this time, the clinical significance of this alteration remains unclear.